The following is an entry in ClinVar:

NM_000051.4(ATM):c.8604T>G (p.Leu2868=)

Genes: ATM (ATM serine/threonine kinase; plus strand), C11orf65 (chromosome 11 open reading frame 65; minus strand). Cytogenetic location: 11q22.3.
Variant type: single nucleotide variant.
Coding change: c.8604T>G on transcript NM_000051.4 (MANE Select); coding-DNA position 8604, T replaced by G.
Protein change: p.Leu2868=; no amino-acid change (leucine 2868 retained).
Molecular consequence: synonymous variant. On other transcripts: intron variant (2).
Genome position (GRCh38, 1-based): chr11:108,347,298, T>G. VCF-style: chr11-108347298-T-G. GRCh37 (hg19) VCF-style: chr11-108218025-T-G.
Other names: c.8604T>G, p.Leu2868= (NM_001351834.2); c.641-38227A>C (NM_001330368.2); c.695-12006A>C (NM_001351110.2).
Identifiers: ClinVar variation 926610 (VCV000926610.14), dbSNP rs2088545756, ClinGen allele CA476673472.

ClinVar aggregate classification (germline): Benign/Likely benign. Review status: criteria provided, multiple submitters, no conflicts (2 of 4 stars). 4 submissions from 4 submitters: Benign (1); Likely benign (3). Last evaluated 2024-06-20.

Conditions:
Hereditary cancer-predisposing syndrome. Also called: Tumor predisposition; Neoplastic Syndromes, Hereditary; Hereditary neoplastic syndrome; Hereditary Cancer Syndrome. Identifiers: Orphanet 140162, MedGen C0027672, MeSH D009386, MONDO:0015356.
Ataxia-telangiectasia syndrome (AT). Also called: Ataxia-telangiectasia, complementation group D; AT, COMPLEMENTATION GROUP C; ATAXIA-TELANGIECTASIA, COMPLEMENTATION GROUP A; ATAXIA-TELANGIECTASIA, FRESNO VARIANT; Ataxia-telangiectasia; Ataxia telangiectasia (A-T). Identifiers: Orphanet 100, MedGen C0004135, MONDO:0008840, OMIM 208900.
Familial cancer of breast. Also called: Hereditary breast cancer; hereditary breast carcinoma; BREAST CANCER, FAMILIAL. Identifiers: Orphanet 227535, MedGen C0346153, MONDO:0016419, OMIM 114480. Disease mechanism: loss of function.

Allele frequency attached by ClinVar (database versions not stated): gnomAD exomes below 0.00001.
gnomAD v4.1: 4 of 1,611,070 alleles (0.00025%); highest among the groups gnomAD compares: Non-Finnish European, 0.00034%; no homozygotes.

Submissions (4):

Myriad Genetics, Inc.
Classification: Benign for Familial cancer of breast. Last evaluated: 2024-06-20. Review status: criteria provided, single submitter. Criteria: Myriad Autosomal Dominant, Autosomal Recessive and X-Linked Classification Criteria (2023). Collection method: clinical testing. Allele origin: unknown.
Comment: This variant is considered benign. This variant is a silent/synonymous amino acid change and it is not expected to impact splicing.

Labcorp Genetics (formerly Invitae), Labcorp
Classification: Likely benign for Ataxia-telangiectasia syndrome. Last evaluated: 2024-04-14. Review status: criteria provided, single submitter. Criteria: Invitae Variant Classification Sherloc (09022015). Collection method: clinical testing. Allele origin: germline.

Ambry Genetics
Classification: Likely benign for Hereditary cancer-predisposing syndrome. Last evaluated: 2020-11-13. Review status: criteria provided, single submitter. Criteria: Ambry Variant Classification Scheme 2023. Collection method: clinical testing. Allele origin: germline.

Color Diagnostics, LLC DBA Color Health
Classification: Likely benign for Hereditary cancer-predisposing syndrome. Last evaluated: 2019-08-13. Review status: criteria provided, single submitter. Criteria: ACMG Guidelines, 2015. Collection method: clinical testing. Allele origin: germline.